The following is an entry in ClinVar:

NM_004006.3(DMD):c.1264G>C (p.Glu422Gln)

Gene: DMD (dystrophin; minus strand). Cytogenetic location: Xp21.1.
Variant type: single nucleotide variant.
Coding change: c.1264G>C on transcript NM_004006.3 (MANE Select); coding-DNA position 1264, G replaced by C.
Protein change: p.Glu422Gln; replaces glutamic acid 422 with glutamine.
Molecular consequence: missense variant.
Genome position (GRCh38, 1-based): chrX:32,644,199, C>G on the plus strand (G>C on the coding strand, the complement: DMD is on the minus strand). VCF-style: chrX-32644199-C-G. GRCh37 (hg19) VCF-style: chrX-32662316-C-G.
Other names: c.1240G>C, p.Glu414Gln (NM_000109.4); c.1252G>C, p.Glu418Gln (NM_004009.3); c.895G>C, p.Glu299Gln (NM_004010.3); short protein forms E414Q, E299Q, E418Q, E422Q.
Identifiers: ClinVar variation 2800625 (VCV002800625.3), dbSNP rs1246251056, ClinGen allele CA412661036.

ClinVar aggregate classification (germline): Uncertain significance (1 of 4 stars; one submission).

Conditions:
Duchenne muscular dystrophy (DMD). Also called: MUSCULAR DYSTROPHY, PSEUDOHYPERTROPHIC PROGRESSIVE, DUCHENNE TYPE; Duchenne Muscular Dystrophy (DMD). Identifiers: Orphanet 98896, MedGen C0013264, MONDO:0010679, OMIM 310200.

Allele frequency attached by ClinVar (database versions not stated): TOPMed below 0.00001.

Submission:

Labcorp Genetics (formerly Invitae), Labcorp
Classification: Uncertain significance for Duchenne muscular dystrophy. Last evaluated: 2025-10-27. Review status: criteria provided, single submitter. Criteria: Invitae Variant Classification Sherloc (09022015). Collection method: clinical testing. Allele origin: germline.
Comment: This sequence change replaces glutamic acid, which is acidic and polar, with glutamine, which is neutral and polar, at codon 422 of the DMD protein (p.Glu422Gln). This variant is not present in population databases (gnomAD no frequency). This variant has not been reported in the literature in individuals affected with DMD-related conditions. ClinVar contains an entry for this variant (Variation ID: 2800625). Invitae Evidence Modeling of protein sequence and biophysical properties (such as structural, functional, and spatial information, amino acid conservation, physicochemical variation, residue mobility, and thermodynamic stability) indicates that this missense variant is not expected to disrupt DMD protein function with a negative predictive value of 95%. In summary, the available evidence is currently insufficient to determine the role of this variant in disease. Therefore, it has been classified as a Variant of Uncertain Significance.